The following is an entry in ClinVar:

ClinVar aggregate classification (germline): Uncertain significance (1 of 4 stars; one submission).

Allele frequency attached by ClinVar (database versions not stated): gnomAD 0.00001; gnomAD exomes 0.00001.

Submission:

Labcorp Genetics (formerly Invitae), Labcorp
Classification: Uncertain significance. Last evaluated: 2024-11-01. Review status: criteria provided, single submitter. Criteria: Invitae Variant Classification Sherloc (09022015). Collection method: clinical testing. Allele origin: germline.
Comment: This sequence change replaces arginine, which is basic and polar, with tryptophan, which is neutral and slightly polar, at codon 298 of the ERCC3 protein (p.Arg298Trp). This variant is present in population databases (rs764717311, gnomAD 0.003%). This variant has not been reported in the literature in individuals affected with ERCC3-related conditions. ClinVar contains an entry for this variant (Variation ID: 1463602). Invitae Evidence Modeling of protein sequence and biophysical properties (such as structural, functional, and spatial information, amino acid conservation, physicochemical variation, residue mobility, and thermodynamic stability) indicates that this missense variant is expected to disrupt ERCC3 protein function with a positive predictive value of 80%. In summary, the available evidence is currently insufficient to determine the role of this variant in disease. Therefore, it has been classified as a Variant of Uncertain Significance.

NM_000122.2(ERCC3):c.892C>T (p.Arg298Trp)

Gene: ERCC3 (ERCC excision repair 3, TFIIH core complex helicase subunit; minus strand). Cytogenetic location: 2q14.3.
Variant type: single nucleotide variant.
Coding change: c.892C>T on transcript NM_000122.2 (MANE Select); coding-DNA position 892, C replaced by T.
Protein change: p.Arg298Trp; replaces arginine 298 with tryptophan.
Molecular consequence: missense variant.
Genome position (GRCh38, 1-based): chr2:127,288,795, G>A on the plus strand (C>T on the coding strand, the complement: ERCC3 is on the minus strand). VCF-style: chr2-127288795-G-A. GRCh37 (hg19) VCF-style: chr2-128046371-G-A.
Other names: c.700C>T, p.Arg234Trp (NM_001303416.2, NM_001303418.2); short protein forms R298W, R234W.
Identifiers: ClinVar variation 1463602 (VCV001463602.7), dbSNP rs764717311, ClinGen allele CA1858411.